The following is an entry in ClinVar:

ClinVar aggregate classification (germline): Uncertain significance (1 of 4 stars; one submission).

Allele frequency attached by ClinVar (database versions not stated): gnomAD exomes below 0.00001 and 0.00001; ExAC 0.00001.
gnomAD v4.1: 19 of 1,609,696 alleles (0.0012%); highest among the groups gnomAD compares: Non-Finnish European, 0.0014%; no homozygotes.

Submission:

Labcorp Genetics (formerly Invitae), Labcorp
Classification: Uncertain significance. Last evaluated: 2023-12-11. Review status: criteria provided, single submitter. Criteria: Invitae Variant Classification Sherloc (09022015). Collection method: clinical testing. Allele origin: germline.
Comment: This sequence change replaces proline, which is neutral and non-polar, with alanine, which is neutral and non-polar, at codon 20 of the GTF2E2 protein (p.Pro20Ala). This variant is present in population databases (rs750341340, gnomAD 0.0009%). This variant has not been reported in the literature in individuals affected with GTF2E2-related conditions. ClinVar contains an entry for this variant (Variation ID: 1476109). Advanced modeling of protein sequence and biophysical properties (such as structural, functional, and spatial information, amino acid conservation, physicochemical variation, residue mobility, and thermodynamic stability) performed at Invitae indicates that this missense variant is expected to disrupt GTF2E2 protein function with a positive predictive value of 80%. In summary, the available evidence is currently insufficient to determine the role of this variant in disease. Therefore, it has been classified as a Variant of Uncertain Significance.

NM_002095.6(GTF2E2):c.58C>G (p.Pro20Ala)

Gene: GTF2E2 (general transcription factor IIE subunit 2; minus strand). Cytogenetic location: 8p12.
Variant type: single nucleotide variant.
Coding change: c.58C>G on transcript NM_002095.6 (MANE Select); coding-DNA position 58, C replaced by G.
Protein change: p.Pro20Ala; replaces proline 20 with alanine.
Molecular consequence: missense variant.
Genome position (GRCh38, 1-based): chr8:30,653,541, G>C on the plus strand (C>G on the coding strand, the complement: GTF2E2 is on the minus strand). VCF-style: chr8-30653541-G-C. GRCh37 (hg19) VCF-style: chr8-30511058-G-C.
Other names: c.58C>G, p.Pro20Ala (NM_001348353.1); short protein forms P20A.
Identifiers: ClinVar variation 1476109 (VCV001476109.4), dbSNP rs750341340, ClinGen allele CA4701112.
Genomic context (GRCh38, chr8:30,653,541, plus strand): 5'-TCTTCTTCTTTGACGATGATGATGATGACTCAGAAGATGCTGAACGTTTTTCTACTACAG[G>C]AGTAGAAAGAGCTCGTTTTTTGAACAGCTCCCTTTCTCTCAACAGGCTTGGATCCATAAT-3'
Protein context (NP_002086.1, residues 10-30): ELFKKRALST[Pro20Ala]VVEKRSASSE